The following is an entry in ClinVar:

ClinVar aggregate classification (germline): Likely pathogenic (1 of 4 stars; one submission).

Submission:

GeneDx
Classification: Likely pathogenic. Last evaluated: 2014-02-16. Review status: criteria provided, single submitter. Criteria: GeneDx Variant Classification (06012015). Collection method: clinical testing. Allele origin: germline. Affected: yes.
Comment: p.Gly1049Cys (GGC>TGC): c.3145 G>T in exon 26 of the FBN1 gene (NM_000138.4)A G1049C variant that is likely pathogenic was identified in the FBN1 gene. It has not been published as a mutation, nor has it been reported as a benign polymorphism to our knowledge. The G1049C variant was not observed in approximately 6,500 individuals of European and African American ancestry in the NHLBI Exome Sequencing Project, indicating it is not a common benign variant in these populations. The G1049C variant is a non-conservative amino acid substitution, which is likely to impact secondary protein structure as these residues differ in polarity, charge, size and/or other properties. G1049C results in a gain of Cysteine residue, which may impact disulfide bonding, at a position that is conserved across species. In silico analysis predicts this variant is probably damaging to the protein structure/function. Missense mutations in nearby residues (C1044Y, N1046S, I1048T, C1053R, C1055G) have been reported in association with Marfan Syndrome, supporting the functional importance of this region of the protein. Therefore, this variant is a strong candidate for a pathogenic mutation, however the possibility that it is a benign variant cannot be excluded. The variant is found in TAAD panel(s).

NM_000138.5(FBN1):c.3145G>T (p.Gly1049Cys)

Gene: FBN1 (fibrillin 1; minus strand). Cytogenetic location: 15q21.1.
Variant type: single nucleotide variant.
Coding change: c.3145G>T on transcript NM_000138.5 (MANE Select); coding-DNA position 3145, G replaced by T.
Protein change: p.Gly1049Cys; replaces glycine 1049 with cysteine.
Molecular consequence: missense variant.
Genome position (GRCh38, 1-based): chr15:48,488,431, C>A on the plus strand (G>T on the coding strand, the complement: FBN1 is on the minus strand). VCF-style: chr15-48488431-C-A. GRCh37 (hg19) VCF-style: chr15-48780628-C-A.
Other names: p.G1049C:GGC>TGC; short protein forms G1049C.
Identifiers: ClinVar variation 200012 (VCV000200012.2), dbSNP rs778181932, ClinGen allele CA013826.